The following is an entry in ClinVar:

ClinVar aggregate classification (germline): Conflicting classifications of pathogenicity. Review status: criteria provided, conflicting classifications (1 of 4 stars). 2 submissions from 2 submitters: Uncertain significance (1); Benign (1). Last evaluated 2024-08-03.

Conditions:
Tuberous sclerosis 2 (TSC2). Identifiers: Orphanet 805, MedGen C1860707, MONDO:0013199, OMIM 613254.
Hereditary cancer-predisposing syndrome. Also called: Tumor predisposition; Hereditary neoplastic syndrome; Neoplastic Syndromes, Hereditary; Hereditary Cancer Syndrome. Identifiers: Orphanet 140162, MedGen C0027672, MeSH D009386, MONDO:0015356.

Allele frequency attached by ClinVar (database versions not stated): gnomAD exomes below 0.00001 and 0.00001; ExAC 0.00002.
gnomAD v4.1: 4 of 1,596,236 alleles (0.00025%); highest among the groups gnomAD compares: South Asian, 0.0023%; no homozygotes.

Submissions (2):

Ambry Genetics
Classification: Uncertain significance for Hereditary cancer-predisposing syndrome. Last evaluated: 2024-08-03. Review status: criteria provided, single submitter. Criteria: Ambry Variant Classification Scheme 2023. Collection method: clinical testing. Allele origin: germline.
Comment: The p.S1304I variant (also known as c.3911G>T), located in coding exon 32 of the TSC2 gene, results from a G to T substitution at nucleotide position 3911. The serine at codon 1304 is replaced by isoleucine, an amino acid with dissimilar properties. This amino acid position is conserved. In addition, the in silico prediction for this alteration is inconclusive. Based on the available evidence, the clinical significance of this variant remains unclear.

Labcorp Genetics (formerly Invitae), Labcorp
Classification: Benign for Tuberous sclerosis 2. Last evaluated: 2022-12-06. Review status: criteria provided, single submitter. Criteria: Invitae Variant Classification Sherloc (09022015). Collection method: clinical testing. Allele origin: germline.

NM_000548.5(TSC2):c.3911G>T (p.Ser1304Ile)

Gene: TSC2 (TSC complex subunit 2; plus strand). Cytogenetic location: 16p13.3.
Variant type: single nucleotide variant.
Coding change: c.3911G>T on transcript NM_000548.5 (MANE Select); coding-DNA position 3911, G replaced by T.
Protein change: p.Ser1304Ile; replaces serine 1304 with isoleucine.
Molecular consequence: missense variant.
Genome position (GRCh38, 1-based): chr16:2,083,722, G>T. VCF-style: chr16-2083722-G-T. GRCh37 (hg19) VCF-style: chr16-2133723-G-T.
Other names: c.3710G>T, p.Ser1237Ile (NM_001077183.3); c.3842G>T, p.Ser1281Ile (NM_001114382.3); c.3602G>T, p.Ser1201Ile (NM_001318827.2); c.3566G>T, p.Ser1189Ile (NM_001318829.2); c.3179G>T, p.Ser1060Ile (NM_001318831.2); c.3743G>T, p.Ser1248Ile (NM_001318832.2); c.3713G>T, p.Ser1238Ile (NM_001363528.2); c.3779G>T, p.Ser1260Ile (NM_001370404.1); and 1 more; short protein forms S1189I, S1201I, S1248I, S1237I, S1304I, S1060I, S1238I, S1260I.
Identifiers: ClinVar variation 939713 (VCV000939713.10), dbSNP rs751564566, ClinGen allele CA049568.